The following is an entry in ClinVar:

ClinVar aggregate classification (germline): Uncertain significance. Review status: criteria provided, multiple submitters, no conflicts (2 of 4 stars). 7 submissions from 7 submitters: Uncertain significance (7). Last evaluated 2025-08-24.

Conditions:
Breast and/or ovarian cancer. Identifiers: MedGen CN221562.
Hereditary cancer-predisposing syndrome. Also called: Neoplastic Syndromes, Hereditary; Tumor predisposition; Hereditary neoplastic syndrome; Hereditary Cancer Syndrome. Identifiers: Orphanet 140162, MedGen C0027672, MeSH D009386, MONDO:0015356.
Hereditary breast ovarian cancer syndrome. Also called: Hereditary breast and ovarian cancer; Hereditary breast and ovarian cancer syndrome (HBOC); BRCA1- and BRCA2-Associated Hereditary Breast and Ovarian Cancer; Hereditary breast and/or ovarian cancer syndrome; Breast and ovarian cancer; Hereditary breast and ovarian cancer syndrome. Identifiers: Orphanet 145, MedGen C0677776, MeSH D061325, MONDO:0003582. Disease mechanism: loss of function.
Breast-ovarian cancer, familial, susceptibility to, 2 (BROVCA2). Also called: BRCA2 Hereditary Breast and Ovarian Cancer. Identifiers: Orphanet 145, MedGen C2675520, MONDO:0012933, OMIM 612555. Disease mechanism: loss of function.

gnomAD v4.1: 2 of 1,614,154 alleles (0.00012%); highest among the groups gnomAD compares: East Asian, 0.0045%; no homozygotes.

Submissions (7):

Labcorp Genetics (formerly Invitae), Labcorp
Classification: Uncertain significance for Hereditary breast ovarian cancer syndrome. Last evaluated: 2025-08-24. Review status: criteria provided, single submitter. Criteria: Invitae Variant Classification Sherloc (09022015). Collection method: clinical testing. Allele origin: germline.
Comment: This sequence change replaces proline, which is neutral and non-polar, with serine, which is neutral and polar, at codon 3300 of the BRCA2 protein (p.Pro3300Ser). This variant is present in population databases (rs770868371, gnomAD 0.006%). This missense change has been observed in individual(s) with breast cancer, esophageal cancer, ovarian cancer, and/or prostate cancer (PMID: 11948123, 28664449, 31214711, 31396961, 34326862). This variant is also known as c.10126C>T. ClinVar contains an entry for this variant (Variation ID: 246104). Invitae Evidence Modeling of protein sequence and biophysical properties (such as structural, functional, and spatial information, amino acid conservation, physicochemical variation, residue mobility, and thermodynamic stability) indicates that this missense variant is not expected to disrupt BRCA2 protein function with a negative predictive value of 95%. In summary, the available evidence is currently insufficient to determine the role of this variant in disease. Therefore, it has been classified as a Variant of Uncertain Significance.

Quest Diagnostics Nichols Institute San Juan Capistrano
Classification: Uncertain significance. Last evaluated: 2023-07-05. Review status: criteria provided, single submitter. Criteria: Quest Diagnostics criteria. Collection method: clinical testing. Allele origin: unknown.
Comment: In the published literature, this variant has been reported in individuals with breast cancer (PMID: 28664449 (2017)), and esophageal squamous cell carcinoma (PMID: 11948123 (2002) and 31396961 (2020)), as well as unaffected control individuals (PMID: 30287823 (2018) and 31396961 (2020)). The frequency of this variant in the general population, 0.000004 (1/251222 chromosomes (Genome Aggregation Database)), is uninformative in the assessment of its pathogenicity. Analysis of this variant using bioinformatics tools for the prediction of the effect of amino acid changes on protein structure and function yielded conflicting predictions that this variant is benign or damaging. Based on the available information, we are unable to determine the clinical significance of this variant.

All of Us Research Program, National Institutes of Health
Classification: Uncertain significance for Breast-ovarian cancer, familial, susceptibility to, 2. Last evaluated: 2023-05-04. Review status: criteria provided, single submitter. Criteria: ACMG Guidelines, 2015. Collection method: clinical testing. Allele origin: germline. Inheritance: Autosomal dominant inheritance. Observed: 1 variant allele, 1 heterozygote.
Comment: This missense variant replaces proline with serine at codon 3300 of the BRCA2 protein. Computational prediction suggests that this variant may not impact protein structure and function (internally defined REVEL score threshold <= 0.5, PMID: 27666373). To our knowledge, functional studies have not been reported for this variant. This variant has been reported in individuals affected with breast, prostate, blood, or esophageal cancer, and in unaffected individuals (PMID: 28664449, 30287823, 31214711, 31358837, 31837001, 34741701, 35864222). This variant has been identified in 1/251222 chromosomes in the general population by the Genome Aggregation Database (gnomAD). The available evidence is insufficient to determine the role of this variant in disease conclusively. Therefore, this variant is classified as a Variant of Uncertain Significance.

This study involves interpretation of variants in research participants for the purpose of population health screening. Participant phenotype was not available at the time of variant classification. Additional details can be found in publication PMID: 35346344, PMCID: PMC8962531

Ambry Genetics
Classification: Uncertain significance for Hereditary cancer-predisposing syndrome. Last evaluated: 2022-05-23. Review status: criteria provided, single submitter. Criteria: Ambry Variant Classification Scheme 2023. Collection method: clinical testing. Allele origin: germline.
Comment: The p.P3300S variant (also known as c.9898C>T), located in coding exon 26 of the BRCA2 gene, results from a C to T substitution at nucleotide position 9898. The proline at codon 3300 is replaced by serine, an amino acid with similar properties. Additionally, this alteration has not been reported in 7051 unselected breast cancer patients and 0.00009 in 11241 female controls of Japanese ancestry (Momozawa Y et al. Nat Commun, 2018 10;9:4083). This amino acid position is highly conserved in available vertebrate species. In addition, this alteration is predicted to be tolerated by in silico analysis. Since supporting evidence is limited at this time, the clinical significance of this alteration remains unclear.

Women's Health and Genetics/Laboratory Corporation of America, LabCorp
Classification: Uncertain significance. Last evaluated: 2020-09-14. Review status: criteria provided, single submitter. Criteria: LabCorp Variant Classification Summary - May 2015. Collection method: clinical testing. Allele origin: germline.
Comment: Variant summary: BRCA2 c.9898C>T (p.Pro3300Ser) results in a non-conservative amino acid change in the encoded protein sequence. Four of five in-silico tools predict a damaging effect of the variant on protein function. The variant allele was found at a frequency of 7.3e-06 in 273704 control chromosomes. The available data on variant occurrences in the general population are insufficient to allow any conclusion about variant significance. c.9898C>T has been reported in the literature in individuals affected with esophageal squamous cell carcinoma and breast cancer (Hu_2002, Ko_2020, Li_2017). These reports do not provide unequivocal conclusions about association of the variant with Hereditary Breast And Ovarian Cancer Syndrome. To our knowledge, no experimental evidence demonstrating an impact on protein function has been reported. Four clinical diagnostic laboratories have submitted clinical-significance assessments for this variant to ClinVar after 2014 without evidence for independent evaluation. All laboratories classified the variant as uncertain significance. Based on the evidence outlined above, the variant was classified as uncertain significance.

CHEO Genetics Diagnostic Laboratory, Children's Hospital of Eastern Ontario
Classification: Uncertain significance for Breast and/or ovarian cancer. Last evaluated: 2017-06-15. Review status: criteria provided, single submitter. Criteria: ACMG Guidelines, 2015. Collection method: clinical testing. Allele origin: germline. Study: Canadian Open Genetics Repository.

GeneDx
Classification: Uncertain significance. Last evaluated: 2015-11-23. Review status: criteria provided, single submitter. Criteria: GeneDx Variant Classification (06012015). Collection method: clinical testing. Allele origin: germline. Affected: yes.
Comment: This variant is denoted BRCA2 c.9898C>T at the cDNA level, p.Pro3300Ser (P3300S) at the protein level, and results in the change of a Proline to a Serine (CCA>TCA). Using alternate nomenclature, this variant would be defined as BRCA2 10126C>T. This variant was observed in at least one individual with esophageal squamous cell carcinoma (Hu 2002). BRCA2 Pro3300Ser was not observed in approximately 6,500 individuals of European and African American ancestry in the NHLBI Exome Sequencing Project, suggesting it is not a common benign variant in these populations. Since Proline and Serine differ in polarity, charge, size or other properties, this is considered a non-conservative amino acid substitution. BRCA2 Pro3300Ser occurs at a position that is conserved across species and is not located in a known functional domain (Borg 2010). In silico analyses predict that this variant is probably damaging to protein structure and function. Based on currently available evidence, it is unclear whether BRCA2 Pro3300Ser is a pathogenic or benign variant. We consider it to be a variant of uncertain significance.

Literature cited by the submitters: PubMed 11948123 (cited by 3 submitters); PubMed 28664449 (cited by 4 submitters); PubMed 31214711 (cited by Labcorp Genetics (formerly Invitae), Labcorp and All of Us Research Program, National Institutes of Health); PubMed 31396961 (cited by 3 submitters); PubMed 34326862 (cited by Labcorp Genetics (formerly Invitae), Labcorp); PubMed 12670525 (cited by Quest Diagnostics Nichols Institute San Juan Capistrano and Women's Health and Genetics/Laboratory Corporation of America, LabCorp); PubMed 30287823 (cited by 4 submitters); PubMed 31358837 (cited by 3 submitters); PubMed 31825140 (cited by Quest Diagnostics Nichols Institute San Juan Capistrano); PubMed 31837001 (cited by All of Us Research Program, National Institutes of Health); PubMed 34741701 (cited by All of Us Research Program, National Institutes of Health); PubMed 35864222 (cited by All of Us Research Program, National Institutes of Health); PubMed 12427538 (cited by Women's Health and Genetics/Laboratory Corporation of America, LabCorp).

NM_000059.4(BRCA2):c.9898C>T (p.Pro3300Ser)

Gene: BRCA2 (BRCA2 DNA repair associated; plus strand). Cytogenetic location: 13q13.1.
Variant type: single nucleotide variant.
Coding change: c.9898C>T on transcript NM_000059.4 (MANE Select); coding-DNA position 9898, C replaced by T.
Protein change: p.Pro3300Ser; replaces proline 3300 with serine.
Molecular consequence: missense variant.
Genome position (GRCh38, 1-based): chr13:32,398,411, C>T. VCF-style: chr13-32398411-C-T. GRCh37 (hg19) VCF-style: chr13-32972548-C-T.
Other names: short protein forms P3300S.
Identifiers: ClinVar variation 246104 (VCV000246104.15), dbSNP rs770868371, ClinGen allele CA6941452.